The following is an entry in ClinVar:

NM_001034850.3(RETREG1):c.502A>G (p.Ser168Gly)

Gene: RETREG1 (reticulophagy regulator 1; minus strand). Cytogenetic location: 5p15.1.
Variant type: single nucleotide variant.
Coding change: c.502A>G on transcript NM_001034850.3 (MANE Select); coding-DNA position 502, A replaced by G.
Protein change: p.Ser168Gly; replaces serine 168 with glycine.
Molecular consequence: missense variant.
Genome position (GRCh38, 1-based): chr5:16,483,429, T>C on the plus strand (A>G on the coding strand, the complement: RETREG1 is on the minus strand). VCF-style: chr5-16483429-T-C. GRCh37 (hg19) VCF-style: chr5-16483538-T-C.
Other names: c.79A>G, p.Ser27Gly (NM_019000.5); short protein forms S27G, S168G.
Identifiers: ClinVar variation 1492362 (VCV001492362.6), dbSNP rs2126520985, ClinGen allele CA359259645.

ClinVar aggregate classification (germline): Uncertain significance (1 of 4 stars; one submission).

Allele frequency attached by ClinVar (database versions not stated): gnomAD exomes below 0.00001.
gnomAD v4.1: 1 of 1,613,372 alleles (0.000062%); highest among the groups gnomAD compares: African/African-American, 0.0013%; no homozygotes.

Submission:

Labcorp Genetics (formerly Invitae), Labcorp
Classification: Uncertain significance. Last evaluated: 2021-09-23. Review status: criteria provided, single submitter. Criteria: Invitae Variant Classification Sherloc (09022015). Collection method: clinical testing. Allele origin: germline.
Comment: This variant is not present in population databases (ExAC no frequency). This variant has not been reported in the literature in individuals affected with RETREG1-related conditions. Algorithms developed to predict the effect of missense changes on protein structure and function (SIFT, PolyPhen-2, Align-GVGD) all suggest that this variant is likely to be tolerated. In summary, the available evidence is currently insufficient to determine the role of this variant in disease. Therefore, it has been classified as a Variant of Uncertain Significance. This sequence change replaces serine with glycine at codon 168 of the RETREG1 protein (p.Ser168Gly). The serine residue is moderately conserved and there is a small physicochemical difference between serine and glycine.